The following is an entry in ClinVar:

NM_015102.5(NPHP4):c.3027C>G (p.Ile1009Met)

Gene: NPHP4 (nephrocystin 4; minus strand). Cytogenetic location: 1p36.31.
Variant type: single nucleotide variant.
Coding change: c.3027C>G on transcript NM_015102.5 (MANE Select); coding-DNA position 3027, C replaced by G.
Protein change: p.Ile1009Met; replaces isoleucine 1009 with methionine.
Molecular consequence: missense variant. On other transcripts: non-coding transcript variant (1).
Genome position (GRCh38, 1-based): chr1:5,874,891, G>C on the plus strand (C>G on the coding strand, the complement: NPHP4 is on the minus strand). VCF-style: chr1-5874891-G-C. GRCh37 (hg19) VCF-style: chr1-5934951-G-C.
Other names: p.Ile1009Met; c.1488C>G, p.Ile496Met (NM_001291593.2); c.1491C>G, p.Ile497Met (NM_001291594.2); short protein forms I1009M, I496M, I497M.
Identifiers: ClinVar variation 968859 (VCV000968859.7), dbSNP rs762202268, ClinGen allele CA338056011.
Genomic context (GRCh38, chr1:5,874,891, plus strand): 5'-ACAGATCTGGGCTGGGGCAGGACGGGCACCACTGAGACCTCACCTGAGCTCGGGGTTGTC[G>C]ATCTCCACAGTCACCGTGTGCTGTGTGTTGTGGGGGTTCTTAAGCACAAACTCAAAGAAC-3'
Protein context (NP_055917.1, residues 999-1019): HNTQHTVTVE[Ile1009Met]DNPELSVIVD

ClinVar aggregate classification (germline): Uncertain significance. Review status: criteria provided, multiple submitters, no conflicts (2 of 4 stars). 3 submissions from 3 submitters: Uncertain significance (3). Last evaluated 2024-09-17.

Conditions:
Nephronophthisis. Also called: Juvenile Nephronophthisis. Identifiers: Orphanet 655, MedGen C0687120, MONDO:0019005, HP:0000090.

gnomAD v4.1: 3 of 1,613,738 alleles (0.00019%); highest among the groups gnomAD compares: Non-Finnish European, 0.00017%; no homozygotes.

Submissions (3):

Mayo Clinic Laboratories, Mayo Clinic
Classification: Uncertain significance. Last evaluated: 2024-09-17. Review status: criteria provided, single submitter. Criteria: ACMG Guidelines, 2015. Collection method: clinical testing. Allele origin: germline. Observed: 1 variant allele.
Comment: BP4, PM2

Blueprint Genetics
Classification: Uncertain significance. Last evaluated: 2023-05-08. Review status: criteria provided, single submitter. Criteria: ACMG Guidelines, 2015. Collection method: clinical testing. Allele origin: germline.

Labcorp Genetics (formerly Invitae), Labcorp
Classification: Uncertain significance for Nephronophthisis. Last evaluated: 2022-07-30. Review status: criteria provided, single submitter. Criteria: Invitae Variant Classification Sherloc (09022015). Collection method: clinical testing. Allele origin: germline.
Comment: This sequence change replaces isoleucine, which is neutral and non-polar, with methionine, which is neutral and non-polar, at codon 1009 of the NPHP4 protein (p.Ile1009Met). This variant is not present in population databases (gnomAD no frequency). This variant has not been reported in the literature in individuals affected with NPHP4-related conditions. ClinVar contains an entry for this variant (Variation ID: 968859). Algorithms developed to predict the effect of missense changes on protein structure and function (SIFT, PolyPhen-2, Align-GVGD) all suggest that this variant is likely to be tolerated. In summary, the available evidence is currently insufficient to determine the role of this variant in disease. Therefore, it has been classified as a Variant of Uncertain Significance.